The following is an entry in ClinVar:

NM_022166.4(XYLT1):c.1651C>T (p.Arg551Cys)

Genes: XYLT1 (xylosyltransferase 1; minus strand), LOC102723692 (uncharacterized LOC102723692; plus strand). Cytogenetic location: 16p12.3.
Variant type: single nucleotide variant.
Coding change: c.1651C>T on transcript NM_022166.4 (MANE Select); coding-DNA position 1651, C replaced by T.
Protein change: p.Arg551Cys; replaces arginine 551 with cysteine.
Molecular consequence: missense variant. On other transcripts: non-coding transcript variant (1).
Genome position (GRCh38, 1-based): chr16:17,138,468, G>A on the plus strand (C>T on the coding strand, the complement: XYLT1 is on the minus strand). VCF-style: chr16-17138468-G-A. GRCh37 (hg19) VCF-style: chr16-17232325-G-A.
Other names: short protein forms R551C.
Identifiers: ClinVar variation 1224360 (VCV001224360.3), dbSNP rs776422861, ClinGen allele CA7927828.
Genomic context (GRCh38, chr16:17,138,468, plus strand): 5'-AGTCCACGATGTGCTTGTACTGGCACTTGCAGCCCAGCTTGCGATTCCAGTTGGTGATGC[G>A]CAGGTTGTTGTCCACCATGGTGTCGCAGTGGGGGCTGTTCTCCAGGACCGTATGGAAGAA-3'
Protein context (NP_071449.1, residues 541-561): HCDTMVDNNL[Arg551Cys]ITNWNRKLGC

ClinVar aggregate classification (germline): Pathogenic. Review status: criteria provided, multiple submitters, no conflicts (2 of 4 stars). 2 submissions from 2 submitters: Pathogenic (2). Last evaluated 2023-04-17.

Conditions:
Desbuquois dysplasia 2 (DBQD2). Also called: Baratela-Scott syndrome. Identifiers: Orphanet 1425, MedGen C4014294, MONDO:0014343, OMIM 615777.
XYLT1-related disorder. Also called: XYLT1-related condition.

Allele frequency attached by ClinVar (database versions not stated): ExAC 0.00001; gnomAD exomes 0.00001.
gnomAD v4.1: 11 of 1,614,190 alleles (0.00068%); highest among the groups gnomAD compares: East Asian, 0.0022%; no homozygotes.

Submissions (2):

Zankl Lab, University of Sydney
Classification: Pathogenic for Desbuquois dysplasia 2. Last evaluated: 2023-04-17. Review status: criteria provided, single submitter. Criteria: ACMG Guidelines, 2015. Collection method: clinical testing. Allele origin: germline. Inheritance: Autosomal recessive inheritance. Affected: yes. Observed: 3 variant alleles.
Comment: More than 10 XYLT1 mutations have been reported in the literature in association with Desbuquois dysplasia type 2 including missense, nonsense and splice variants as well as small deletions and insertions. The same variant was reported previously in the homozygous state in another patient with typical features of Desbuquois dysplasia (PMID: 27481334). The variant has also been previously found in compound heterozygous state with a nonsense variant c.595C>T (p.Gln199*) in a patient with Desbuquois dysplasia (PMID: 2703014). The variant lies in the catalytic domain of XYLT1. Other missense mutations in the catalytic domain of XYLT1 have been reported in patients with Desbuqouis dysplasia (PMID: 24581741). XYLT1 c.1651C>T, p.(Arg551Cys) is classiﬁed as pathogenic based on the association between the gene and the patient’s phenotype, rarity in control populations, in silico predicted pathogenicity, and identiﬁcation of the variant in 3 individuals with the same phenotype.

Blueprint Genetics
Classification: Pathogenic for XYLT1-related disorders. Last evaluated: 2018-07-13. Review status: criteria provided, single submitter. Criteria: ACMG Guidelines, 2015. Collection method: clinical testing. Allele origin: germline. Affected: yes. Observed: 1 variant allele.